The following is an entry in ClinVar:

NM_005751.5(AKAP9):c.4070C>G (p.Thr1357Ser)

Gene: AKAP9 (A-kinase anchoring protein 9; plus strand). Cytogenetic location: 7q21.2.
Variant type: single nucleotide variant.
Coding change: c.4070C>G on transcript NM_005751.5 (MANE Select); coding-DNA position 4070, C replaced by G.
Protein change: p.Thr1357Ser; replaces threonine 1357 with serine.
Molecular consequence: missense variant.
Genome position (GRCh38, 1-based): chr7:92,022,931, C>G. VCF-style: chr7-92022931-C-G. GRCh37 (hg19) VCF-style: chr7-91652245-C-G.
Other names: c.4070C>G, p.Thr1357Ser (NM_147185.3); short protein forms T1357S.
Identifiers: ClinVar variation 1018021 (VCV001018021.8), dbSNP rs1227164653, ClinGen allele CA368127907.

ClinVar aggregate classification (germline): Uncertain significance (1 of 4 stars; one submission).

Conditions:
Long QT syndrome (LQTS). Identifiers: MedGen C0023976, MeSH D008133, MONDO:0002442. Disease mechanism: loss of function. Inheritance: Various modes of inheritance.

Submission:

Labcorp Genetics (formerly Invitae), Labcorp
Classification: Uncertain significance for Long QT syndrome. Last evaluated: 2024-05-06. Review status: criteria provided, single submitter. Criteria: Invitae Variant Classification Sherloc (09022015). Collection method: clinical testing. Allele origin: germline.
Comment: This sequence change replaces threonine, which is neutral and polar, with serine, which is neutral and polar, at codon 1357 of the AKAP9 protein (p.Thr1357Ser). This variant is not present in population databases (gnomAD no frequency). This variant has not been reported in the literature in individuals affected with AKAP9-related conditions. ClinVar contains an entry for this variant (Variation ID: 1018021). An algorithm developed to predict the effect of missense changes on protein structure and function (PolyPhen-2) suggests that this variant is likely to be tolerated. In summary, the available evidence is currently insufficient to determine the role of this variant in disease. Therefore, it has been classified as a Variant of Uncertain Significance.